The following is an entry in ClinVar:

NM_005921.2(MAP3K1):c.2072G>A (p.Cys691Tyr)

Gene: MAP3K1 (mitogen-activated protein kinase kinase kinase 1; plus strand). Cytogenetic location: 5q11.2.
Variant type: single nucleotide variant.
Coding change: c.2072G>A on transcript NM_005921.2 (MANE Select); coding-DNA position 2072, G replaced by A.
Protein change: p.Cys691Tyr; replaces cysteine 691 with tyrosine.
Molecular consequence: missense variant.
Genome position (GRCh38, 1-based): chr5:56,879,086, G>A. VCF-style: chr5-56879086-G-A. GRCh37 (hg19) VCF-style: chr5-56174913-G-A.
Other names: short protein forms C691Y.
Identifiers: ClinVar variation 471690 (VCV000471690.8), dbSNP rs1554035463, ClinGen allele CA359782918.

ClinVar aggregate classification (germline): Uncertain significance (1 of 4 stars; one submission).

Conditions:
46,XY sex reversal 6. Also called: 46,XY GONADAL DYSGENESIS, PARTIAL OR COMPLETE, MAP3K1-RELATED; 46,XY SEX REVERSAL, PARTIAL OR COMPLETE, MAP3K1-RELATED. Identifiers: MedGen C3151064, MONDO:0013410, OMIM 613762.

Submission:

Labcorp Genetics (formerly Invitae), Labcorp
Classification: Uncertain significance for 46,XY sex reversal 6. Last evaluated: 2017-08-13. Review status: criteria provided, single submitter. Criteria: Invitae Variant Classification Sherloc (09022015). Collection method: clinical testing. Allele origin: germline.
Comment: In summary, the available evidence is currently insufficient to determine the role of this variant in disease. Therefore, it has been classified as a Variant of Uncertain Significance. Algorithms developed to predict the effect of missense changes on protein structure and function (SIFT, PolyPhen-2, Align-GVGD) all suggest that this variant is likely to be disruptive, but these predictions have not been confirmed by published functional studies and their clinical significance is uncertain. This variant has not been reported in the literature in individuals with MAP3K1-related disease. This variant is not present in population databases (ExAC no frequency). This sequence change replaces cysteine with tyrosine at codon 691 of the MAP3K1 protein (p.Cys691Tyr). The cysteine residue is highly conserved and there is a large physicochemical difference between cysteine and tyrosine.